The following is an entry in ClinVar:

NM_000136.3(FANCC):c.1229A>C (p.Gln410Pro)

Genes: AOPEP (aminopeptidase O (putative); plus strand), FANCC (FA complementation group C; minus strand). Cytogenetic location: 9q22.32.
Variant type: single nucleotide variant.
Coding change: c.1229A>C on transcript NM_000136.3 (MANE Select); coding-DNA position 1229, A replaced by C.
Protein change: p.Gln410Pro; replaces glutamine 410 with proline.
Molecular consequence: missense variant.
Genome position (GRCh38, 1-based): chr9:95,111,563, T>G on the plus strand (A>C on the coding strand, the complement: FANCC is on the minus strand). VCF-style: chr9-95111563-T-G. GRCh37 (hg19) VCF-style: chr9-97873845-T-G.
Other names: c.1229A>C, p.Gln410Pro (NM_001243743.2, NM_001243744.2); short protein forms Q410P.
Identifiers: ClinVar variation 4842783 (VCV004842783.1).

ClinVar aggregate classification (germline): Uncertain significance (1 of 4 stars; one submission).

Conditions:
Hereditary cancer-predisposing syndrome. Also called: Neoplastic Syndromes, Hereditary; Tumor predisposition; Hereditary Cancer Syndrome; Hereditary neoplastic syndrome. Identifiers: Orphanet 140162, MedGen C0027672, MeSH D009386, MONDO:0015356.

Submission:

Ambry Genetics
Classification: Uncertain significance for Hereditary cancer-predisposing syndrome. Last evaluated: 2025-12-16. Review status: criteria provided, single submitter. Criteria: Ambry Variant Classification Scheme 2023. Collection method: clinical testing. Allele origin: germline.
Comment: The p.Q410P variant (also known as c.1229A>C), located in coding exon 12 of the FANCC gene, results from an A to C substitution at nucleotide position 1229. The glutamine at codon 410 is replaced by proline, an amino acid with similar properties. This amino acid position is conserved. In addition, this alteration is predicted to be tolerated by in silico analysis. Based on the available evidence, the clinical significance of this variant remains unclear.